The following is an entry in ClinVar:

ClinVar aggregate classification (germline): Conflicting classifications of pathogenicity. Review status: criteria provided, conflicting classifications (1 of 4 stars). 3 submissions from 3 submitters: Uncertain significance (1); Likely benign (2). Last evaluated 2025-10-01.

Allele frequency attached by ClinVar (database versions not stated): gnomAD exomes 0.00001 and 0.00002; gnomAD 0.00004 and 0.00005; ExAC 0.00005; TOPMed 0.00006; ESP Exome Variant Server 0.00008; 1000 Genomes Project 0.00040; 1000 Genomes Project 30x 0.00047.
gnomAD v4.1: 12 of 1,612,074 alleles (0.00074%); highest among the groups gnomAD compares: African/African-American, 0.013%; no homozygotes.

Submissions (3):

CeGaT Center for Human Genetics Tuebingen
Classification: Likely benign. Last evaluated: 2025-10-01. Review status: criteria provided, single submitter. Criteria: CeGaT Center For Human Genetics Tuebingen Variant Classification Criteria Version 2. Collection method: clinical testing. Allele origin: germline. Affected: yes. Observed: 1 variant allele.
Comment: SETD5: BP4

Labcorp Genetics (formerly Invitae), Labcorp
Classification: Uncertain significance. Last evaluated: 2025-08-18. Review status: criteria provided, single submitter. Criteria: Invitae Variant Classification Sherloc (09022015). Collection method: clinical testing. Allele origin: germline.
Comment: This sequence change falls in intron 8 of the SETD5 gene. It does not directly change the encoded amino acid sequence of the SETD5 protein. It affects a nucleotide within the consensus splice site. This variant is present in population databases (rs372081870, gnomAD 0.03%). This variant has not been reported in the literature in individuals affected with SETD5-related conditions. ClinVar contains an entry for this variant (Variation ID: 1218412). Variants that disrupt the consensus splice site are a relatively common cause of aberrant splicing (PMID: 17576681, 9536098). Algorithms developed to predict the effect of sequence changes on RNA splicing suggest that this variant is not likely to affect RNA splicing. In summary, the available evidence is currently insufficient to determine the role of this variant in disease. Therefore, it has been classified as a Variant of Uncertain Significance.

GeneDx
Classification: Likely benign. Last evaluated: 2020-12-22. Review status: criteria provided, single submitter. Criteria: GeneDx Variant Classification Process June 2021. Collection method: clinical testing. Allele origin: germline. Affected: yes.

Literature cited by the submitters: PubMed 17576681 (cited by Labcorp Genetics (formerly Invitae), Labcorp); PubMed 9536098 (cited by Labcorp Genetics (formerly Invitae), Labcorp).

NM_001080517.3(SETD5):c.810+3A>G

Gene: SETD5 (SET domain containing 5; plus strand). Cytogenetic location: 3p25.3.
Variant type: single nucleotide variant.
Coding change: c.810+3A>G on transcript NM_001080517.3 (MANE Select); 3 bases into the intron after coding-DNA position 810, A replaced by G.
Molecular consequence: intron variant.
Genome position (GRCh38, 1-based): chr3:9,440,701, A>G. VCF-style: chr3-9440701-A-G. GRCh37 (hg19) VCF-style: chr3-9482385-A-G.
Other names: c.516+3A>G (NM_001349451.2, NM_001292043.2).
Identifiers: ClinVar variation 1218412 (VCV001218412.12), dbSNP rs372081870, ClinGen allele CA2239010.